The following is an entry in ClinVar:

ClinVar aggregate classification (germline): Uncertain significance (1 of 4 stars; one submission).

gnomAD v4.1: 4 of 1,613,948 alleles (0.00025%); highest among the groups gnomAD compares: Non-Finnish European, 0.00025%; no homozygotes.

Submission:

GeneDx
Classification: Uncertain significance. Last evaluated: 2020-02-11. Review status: criteria provided, single submitter. Criteria: GeneDx Variant Classification Process June 2021. Collection method: clinical testing. Allele origin: germline. Affected: yes.
Comment: Not observed in large population cohorts (Lek et al., 2016); In silico analysis supports that this missense variant does not alter protein structure/function; Has not been previously published as pathogenic or benign to our knowledge

NM_001291303.3(FAT4):c.115T>C (p.Trp39Arg)

Gene: FAT4 (FAT atypical cadherin 4; plus strand). Cytogenetic location: 4q28.1.
Variant type: single nucleotide variant.
Coding change: c.115T>C on transcript NM_001291303.3 (MANE Select); coding-DNA position 115, T replaced by C.
Protein change: p.Trp39Arg; replaces tryptophan 39 with arginine.
Molecular consequence: missense variant.
Genome position (GRCh38, 1-based): chr4:125,316,526, T>C. VCF-style: chr4-125316526-T-C. GRCh37 (hg19) VCF-style: chr4-126237681-T-C.
Other names: c.115T>C, p.Trp39Arg (NM_001291285.3, NM_024582.6); short protein forms W39R.
Identifiers: ClinVar variation 1315396 (VCV001315396.2), dbSNP rs2125938253, ClinGen allele CA358115130.
Genomic context (GRCh38, chr4:125,316,526, plus strand): 5'-CTATCAGTATCTCAGCTCCTTCGAGTGTTTTGGCTACTGTCATTGCTTCCGGGGCAGGCC[T>C]GGGTCCACGGGGCCGAGCCGCGCCAGGTGTTCCAAGTGCTGGAAGAGCAACCTCCAGGCA-3'
Protein context (NP_001278232.1, residues 29-49): WLLSLLPGQA[Trp39Arg]VHGAEPRQVF